The following is an entry in ClinVar:

ClinVar aggregate classification (germline): Pathogenic. Review status: criteria provided, multiple submitters, no conflicts (2 of 4 stars). 3 submissions from 3 submitters: Pathogenic (3). Last evaluated 2025-09-05.

Conditions:
Pyridoxine-dependent epilepsy (EPEO4). Also called: PYRIDOXINE DEPENDENCY WITH SEIZURES; EPILEPSY, EARLY-ONSET, 4, VITAMIN B6-DEPENDENT; Pyridoxine-Dependent Seizures; Pyridoxine-Dependent Epilepsy - ALDH7A1. Identifiers: Orphanet 3006, MedGen C1849508, MONDO:0009945, OMIM 266100. Disease mechanism: loss of function.

Allele frequency attached by ClinVar (database versions not stated): gnomAD 0.00001.
gnomAD v4.1: 1 of 1,613,918 alleles (0.000062%); highest among the groups gnomAD compares: South Asian, 0.0011%; no homozygotes.

Submissions (3):

Dasa
Classification: Pathogenic. Last evaluated: 2025-09-05. Review status: criteria provided, single submitter. Criteria: DASA Assertion Criteria. Collection method: clinical testing. Allele origin: germline.
Comment: NM_001182.5(ALDH7A1):c.1489+2T>C introduces a premature termination codon predicted to result in loss of normal protein function. Loss-of-function is an established mechanism of disease for this gene. This variant has been observed in affected individuals with related phenotype in a genotype context consistent with recessive disease (PMID: 20554659). This variant has been reported in individuals with related phenotype (PMID: 20554659). The variant is present at low frequency in population datasets. Based on the available data, this variant is classified as pathogenic.

Labcorp Genetics (formerly Invitae), Labcorp
Classification: Pathogenic for Pyridoxine-dependent epilepsy. Last evaluated: 2025-06-09. Review status: criteria provided, single submitter. Criteria: Invitae Variant Classification Sherloc (09022015). Collection method: clinical testing. Allele origin: germline.
Comment: This sequence change affects a donor splice site in intron 16 of the ALDH7A1 gene. It is expected to disrupt RNA splicing. Variants that disrupt the donor or acceptor splice site typically lead to a loss of protein function (PMID: 16199547), and loss-of-function variants in ALDH7A1 are known to be pathogenic (PMID: 16491085, 20554659). This variant is not present in population databases (gnomAD no frequency). Disruption of this splice site has been observed in individual(s) with pyridoxine-dependent epilepsy (PMID: 20554659). This variant is also known as c.1405+2T>C. ClinVar contains an entry for this variant (Variation ID: 2442601). Algorithms developed to predict the effect of sequence changes on RNA splicing suggest that this variant may disrupt the consensus splice site. For these reasons, this variant has been classified as Pathogenic.

GeneDx
Classification: Pathogenic. Last evaluated: 2022-09-12. Review status: criteria provided, single submitter. Criteria: GeneDx Variant Classification Process June 2021. Collection method: clinical testing. Allele origin: germline. Affected: yes.
Comment: Canonical splice site variant predicted to result in a null allele in a gene for which loss of function is a known mechanism of disease; Not observed at significant frequency in large population cohorts (gnomAD); This variant is associated with the following publications: (PMID: 20554659)

Literature cited by the submitters: PubMed 20554659 (cited by Dasa and Labcorp Genetics (formerly Invitae), Labcorp); PubMed 16199547 (cited by Labcorp Genetics (formerly Invitae), Labcorp); PubMed 16491085 (cited by Labcorp Genetics (formerly Invitae), Labcorp).

NM_001182.5(ALDH7A1):c.1489+2T>C

Gene: ALDH7A1 (aldehyde dehydrogenase 7 family member A1; minus strand). Cytogenetic location: 5q23.2.
Variant type: single nucleotide variant.
Coding change: c.1489+2T>C on transcript NM_001182.5 (MANE Select); the canonical splice donor site of the intron after coding-DNA position 1489, T replaced by C.
Molecular consequence: splice donor variant.
Genome position (GRCh38, 1-based): chr5:126,549,927, A>G on the plus strand (T>C on the coding strand, the complement: ALDH7A1 is on the minus strand). VCF-style: chr5-126549927-A-G. GRCh37 (hg19) VCF-style: chr5-125885619-A-G.
Other names: c.1297+2T>C (NM_001202404.2); c.1405+2T>C (NM_001201377.2).
Identifiers: ClinVar variation 2442601 (VCV002442601.4), dbSNP rs1749930301, ClinGen allele CA360720835.